The following is an entry in ClinVar:

NM_014832.5(TBC1D4):c.1267G>A (p.Glu423Lys)

Gene: TBC1D4 (TBC1 domain family member 4; minus strand). Cytogenetic location: 13q22.2.
Variant type: single nucleotide variant.
Coding change: c.1267G>A on transcript NM_014832.5 (MANE Select); coding-DNA position 1267, G replaced by A.
Protein change: p.Glu423Lys; replaces glutamic acid 423 with lysine.
Molecular consequence: missense variant.
Genome position (GRCh38, 1-based): chr13:75,356,155, C>T on the plus strand (G>A on the coding strand, the complement: TBC1D4 is on the minus strand). VCF-style: chr13-75356155-C-T. GRCh37 (hg19) VCF-style: chr13-75930291-C-T.
Other names: c.1267G>A, p.Glu423Lys (NM_001286658.2, NM_001286659.2); short protein forms E423K.
Identifiers: ClinVar variation 3353335 (VCV003353335.1).
Genomic context (GRCh38, chr13:75,356,155, plus strand): 5'-TGTTCGACAGATGTGTCCGCAGGAGCAGGCAGACAGCAATAACACTACTTACCAGAGATT[C>T]GCTGGCACACTGGAATACATAACAAATATACTGGCTAAGTCCAGGCTCTGGAGACTCCCG-3'
Protein context (NP_055647.2, residues 413-433): YICYVFQCAS[Glu423Lys]SLVDEVMLTL

ClinVar aggregate classification (germline): Uncertain significance (0 of 4 stars; one submission).

Conditions:
TBC1D4-related disorder. Also called: TBC1D4-related condition.

gnomAD v4.1: 24 of 1,612,808 alleles (0.0015%); highest among the groups gnomAD compares: South Asian, 0.0055%; no homozygotes.

Submission:

PreventionGenetics, part of Exact Sciences
Classification: Uncertain significance for TBC1D4-related condition. Last evaluated: 2024-05-19. Review status: no assertion criteria provided. Collection method: clinical testing. Allele origin: germline.
Comment: The TBC1D4 c.1267G>A variant is predicted to result in the amino acid substitution p.Glu423Lys. To our knowledge, this variant has not been reported in the literature. This variant is reported in 0.0066% of alleles in individuals of South Asian descent in gnomAD. At this time, the clinical significance of this variant is uncertain due to the absence of conclusive functional and genetic evidence.